The following is an entry in ClinVar:

NM_001384732.1(CPLANE1):c.7871T>A (p.Leu2624Ter)

Gene: CPLANE1 (ciliogenesis and planar polarity effector complex subunit 1; minus strand). Cytogenetic location: 5p13.2.
Variant type: single nucleotide variant.
Coding change: c.7871T>A on transcript NM_001384732.1 (MANE Select); coding-DNA position 7871, T replaced by A.
Protein change: p.Leu2624Ter; replaces leucine 2624 with a stop codon.
Molecular consequence: nonsense.
Genome position (GRCh38, 1-based): chr5:37,157,810, A>T on the plus strand (T>A on the coding strand, the complement: CPLANE1 is on the minus strand). VCF-style: chr5-37157810-A-T. GRCh37 (hg19) VCF-style: chr5-37157912-A-T.
Other names: c.7817T>A, p.Leu2606Ter (NM_023073.4); short protein forms L2606*, L2624*.
Identifiers: ClinVar variation 217575 (VCV000217575.66), dbSNP rs749523755, ClinGen allele CA277813.

ClinVar aggregate classification (germline): Pathogenic/Likely pathogenic. Review status: criteria provided, multiple submitters, no conflicts (2 of 4 stars). 20 submissions from 19 submitters: Pathogenic (16); Likely pathogenic (2). 2 of the submissions do not count toward it. Last evaluated 2026-06-29.

Conditions:
Orofaciodigital syndrome type 6 (OFD6). Also called: OROFACIODIGITAL SYNDROME VI; OFDS VI; POLYDACTYLY, CLEFT LIP/PALATE OR LINGUAL LUMP, AND PSYCHOMOTOR RETARDATION; VARADI SYNDROME; VARADI-PAPP SYNDROME; Oral-facial-digital syndrome type 6. Identifiers: MedGen C2745997, MONDO:0010176, OMIM 277170, Orphanet 2754.
Joubert syndrome 17 (JBTS17). Identifiers: Orphanet 475, MedGen C3553264, MONDO:0013824, OMIM 614615.
Joubert syndrome and related disorders. Identifiers: Orphanet 140874, MedGen C5679612, MONDO:0015369.
C5ORF42 & CPLANE1-related disorders.
Global developmental delay (DD). Also called: Cognitive delay. Identifiers: MedGen C0557874, HP:0001263. Disease mechanism: loss of function.
Jaundice. Identifiers: MedGen C0022346, HP:0000952.

Allele frequency attached by ClinVar (database versions not stated): TOPMed below 0.00001; gnomAD 0.00001; gnomAD exomes 0.00002; ExAC 0.00003.
gnomAD v4.1: 31 of 1,613,394 alleles (0.0019%); highest among the groups gnomAD compares: Non-Finnish European, 0.0025%; no homozygotes.

Submissions (20):

Laboratory of Medical Genetics, University of Torino
Classification: Pathogenic for Joubert syndrome 17. Last evaluated: 2026-06-29. Review status: criteria provided, single submitter. Criteria: ACMG Guidelines, 2015. Collection method: clinical testing. Allele origin: paternal. Affected: yes.

CeGaT Center for Human Genetics Tuebingen
Classification: Pathogenic. Last evaluated: 2026-05-01. Review status: criteria provided, single submitter. Criteria: CeGaT Center For Human Genetics Tuebingen Variant Classification Criteria Version 2. Collection method: clinical testing. Allele origin: germline. Affected: yes. Observed: 5 variant alleles.
Comment: CPLANE1: PVS1, PM2, PM3

Service of Pediatric Gastrohepatology and Metabolic Diseases, University of Medicine of Tirana
Classification: Likely pathogenic for Joubert syndrome 17. Last evaluated: 2026-04-29. Review status: criteria provided, single submitter. Criteria: ACMG Guidelines, 2015. Collection method: clinical testing. Allele origin: germline. Inheritance: Autosomal recessive inheritance. Affected: yes. Observed: 1 variant allele.
Comment: CPLANE1 c.7817T>A was classified as Likely pathogenic using ACMG/AMP 2015 criteria (PMID:25741868). Evidence considered includes PM2 (rare/absent from population databases when reviewed), PP3 (computational evidence supporting deleterious effect), and PP4 (patient phenotype compatible with CPLANE1-related Joubert syndrome 17, OMIM:614615); available evidence supports likely disease relevance but is not sufficient for a Pathogenic assertion.

Women's Health and Genetics/Laboratory Corporation of America, LabCorp
Classification: Pathogenic for Joubert syndrome and related disorders. Last evaluated: 2025-12-26. Review status: criteria provided, single submitter. Criteria: LabCorp Variant Classification Summary - May 2015. Collection method: clinical testing. Allele origin: germline.
Comment: Variant summary: CPLANE1 c.7817T>A (p.Leu2606X) results in a premature termination codon, predicted to cause a truncation of the encoded protein or absence of the protein due to nonsense mediated decay, which are commonly known mechanisms for disease. The variant allele was found at a frequency of 2.4e-05 in 251054 control chromosomes. c.7817T>A has been observed in individual(s) affected with Joubert Syndrome And Related Disorders (e.g. Romani_2015, Bachmann-Gagescu_2015). To our knowledge, no experimental evidence demonstrating an impact on protein function has been reported. The following publications have been ascertained in the context of this evaluation (PMID: 26092869, 25407461). ClinVar contains an entry for this variant (Variation ID: 217575). Based on the evidence outlined above, the variant was classified as pathogenic.

3billion
Classification: Pathogenic for Orofaciodigital syndrome type 6. Last evaluated: 2025-12-10. Review status: criteria provided, single submitter. Criteria: ACMG Guidelines, 2015. Collection method: clinical testing. Allele origin: germline. Affected: yes.
Comment: The variant is observed at an extremely low frequency in the gnomAD v4.1.0 dataset (total allele frequency: 0.002%). Predicted Consequence/Location: Stop-gained (nonsense): predicted to result in a loss or disruption of normal protein function through nonsense-mediated decay (NMD) or protein truncation. Multiple pathogenic variants are reported downstream of the variant. The variant has been reported at least twice as pathogenic with clinical assertions and evidence for the classification (ClinVar ID: VCV000217575 /PMID: 25407461 /3billion dataset). Therefore, this variant is classified as Pathogenic according to the recommendation of ACMG/AMP guideline.

Clinical Genetics Laboratory, University Hospital Schleswig-Holstein
Classification: Pathogenic for Joubert syndrome 17. Last evaluated: 2025-10-17. Review status: criteria provided, single submitter. Criteria: ACMG Guidelines, 2015. Collection method: clinical testing. Allele origin: germline. Affected: yes. Observed: 1 heterozygote.
Comment: ACMG criteria applied: PM2, PM3_Strong, BP2, PVS1

Gharavi Laboratory, Columbia University
Classification: Likely pathogenic for Joubert syndrome 17. Last evaluated: 2024-11-05. Review status: criteria provided, single submitter. Criteria: ACMG Guidelines, 2015. Collection method: case-control. Allele origin: germline. Affected: yes.
Comment: Compound heterozygote variant with NM_023073.4:c.1819del

ENST00000274258

Labcorp Genetics (formerly Invitae), Labcorp
Classification: Pathogenic. Last evaluated: 2024-10-29. Review status: criteria provided, single submitter. Criteria: Invitae Variant Classification Sherloc (09022015). Collection method: clinical testing. Allele origin: germline.
Comment: This sequence change creates a premature translational stop signal (p.Leu2606*) in the CPLANE1 gene. It is expected to result in an absent or disrupted protein product. Loss-of-function variants in CPLANE1 are known to be pathogenic (PMID: 24178751, 26092869). This variant is present in population databases (rs749523755, gnomAD 0.005%). This premature translational stop signal has been observed in individuals with Joubert syndrome and oral-facial-digital syndrome, type VI (PMID: 25407461, 26092869). ClinVar contains an entry for this variant (Variation ID: 217575). For these reasons, this variant has been classified as Pathogenic.

Blueprint Genetics
Classification: Pathogenic for C5ORF42 & CPLANE1-related disorders. Last evaluated: 2024-09-16. Review status: criteria provided, single submitter. Criteria: ACMG Guidelines, 2015. Collection method: clinical testing. Allele origin: germline. Affected: yes. Observed: 5 variant alleles.

GeneDx
Classification: Pathogenic. Last evaluated: 2023-11-29. Review status: criteria provided, single submitter. Criteria: GeneDx Variant Classification Process June 2021. Collection method: clinical testing. Allele origin: germline. Affected: yes.
Comment: Nonsense variant predicted to result in protein truncation or nonsense mediated decay in a gene for which loss of function is a known mechanism of disease; Not observed at significant frequency in large population cohorts (gnomAD); This variant is associated with the following publications: (PMID: 28497568, 25407461, 26092869, Shelby2022[CaseReport])

Clinical Genetics Laboratory, Skane University Hospital Lund
Classification: Pathogenic. Last evaluated: 2022-09-23. Review status: criteria provided, single submitter. Criteria: ACMG Guidelines, 2015. Collection method: clinical testing. Allele origin: germline. Affected: yes.

Fulgent Genetics
Classification: Pathogenic for Orofaciodigital syndrome type 6; Joubert syndrome 17. Last evaluated: 2022-03-15. Review status: criteria provided, single submitter. Criteria: ACMG Guidelines, 2015. Collection method: clinical testing. Allele origin: unknown.

Department of Pathology and Laboratory Medicine, Sinai Health System
Classification: Pathogenic for Joubert syndrome 17. Last evaluated: 2022-02-24. Review status: criteria provided, single submitter. Criteria: ACMG Guidelines, 2015. Collection method: research. Allele origin: germline.

New York Genome Center
Classification: Pathogenic for Joubert syndrome 17; Orofaciodigital syndrome type 6. Last evaluated: 2021-02-05. Review status: criteria provided, single submitter. Criteria: NYGC Assertion Criteria 2020. Collection method: clinical testing. Allele origin: inherited. Observed: 1 heterozygote. Study: CSER-NYCKidSeq.

Institute of Human Genetics, University of Leipzig Medical Center
Classification: Pathogenic for Joubert syndrome 17. Last evaluated: 2019-01-01. Review status: criteria provided, single submitter. Criteria: ACMG Guidelines, 2015. Collection method: clinical testing. Allele origin: unknown. Affected: yes.

Centre for Mendelian Genomics, University Medical Centre Ljubljana
Classification: Pathogenic for Orofaciodigital syndrome type 6. Last evaluated: 2018-11-26. Review status: criteria provided, single submitter. Criteria: ACMG Guidelines, 2015. Collection method: clinical testing. Allele origin: unknown. Affected: yes.
Comment: This variant was classified as: Pathogenic. The following ACMG criteria were applied in classifying this variant: PVS1,PM2,PP5.

UW Hindbrain Malformation Research Program, University of Washington
Classification: Pathogenic for Joubert syndrome 17. Last evaluated: 2015-02-23. Review status: criteria provided, single submitter. Criteria: Bachmann-Gagescu et al. (J Med Genet. 2015). Collection method: research. Allele origin: unknown. Affected: yes.

Centre for Mendelian Genomics, University Medical Centre Ljubljana
Classification: Pathogenic for Global developmental delay; Jaundice. Last evaluated: 2013-11-28. Review status: criteria provided, single submitter. Criteria: ACMG Guidelines, 2015. Collection method: clinical testing. Allele origin: unknown. Affected: yes.

Clinical Genetics DNA and cytogenetics Diagnostics Lab, Erasmus MC, Erasmus Medical Center
Classification: Pathogenic. Review status: no assertion criteria provided. Collection method: clinical testing. Allele origin: germline. Affected: yes. Study: VKGL Data-share Consensus. Not counted in ClinVar's aggregate classification.

Joint Genome Diagnostic Labs from Nijmegen and Maastricht, Radboudumc and MUMC+
Classification: Pathogenic. Review status: no assertion criteria provided. Collection method: clinical testing. Allele origin: germline. Affected: yes. Study: VKGL Data-share Consensus. Not counted in ClinVar's aggregate classification.

Literature cited by the submitters: PubMed 26092869 (cited by Women's Health and Genetics/Laboratory Corporation of America, LabCorp and Labcorp Genetics (formerly Invitae), Labcorp); PubMed 25407461 (cited by 3 submitters); PubMed 24178751 (cited by Labcorp Genetics (formerly Invitae), Labcorp).